The following is an entry in ClinVar:

ClinVar aggregate classification (germline): Uncertain significance (1 of 4 stars; one submission).

Conditions:
Renal cell carcinoma. Identifiers: Orphanet 217071, MedGen C0007134, MeSH D002292, MONDO:0005086, HP:0005584.

Allele frequency attached by ClinVar (database versions not stated): gnomAD exomes below 0.00001.
gnomAD v4.1: 1 of 1,614,104 alleles (0.000062%); highest among the groups gnomAD compares: South Asian, 0.0011%; no homozygotes.

Submission:

Labcorp Genetics (formerly Invitae), Labcorp
Classification: Uncertain significance for Renal cell carcinoma. Last evaluated: 2023-01-19. Review status: criteria provided, single submitter. Criteria: Invitae Variant Classification Sherloc (09022015). Collection method: clinical testing. Allele origin: germline.
Comment: In summary, the available evidence is currently insufficient to determine the role of this variant in disease. Therefore, it has been classified as a Variant of Uncertain Significance. Advanced modeling of protein sequence and biophysical properties (such as structural, functional, and spatial information, amino acid conservation, physicochemical variation, residue mobility, and thermodynamic stability) performed at Invitae indicates that this missense variant is not expected to disrupt MET protein function. This variant has not been reported in the literature in individuals affected with MET-related conditions. This variant is not present in population databases (gnomAD no frequency). This sequence change replaces alanine, which is neutral and non-polar, with threonine, which is neutral and polar, at codon 252 of the MET protein (p.Ala252Thr).

NM_000245.4(MET):c.754G>A (p.Ala252Thr)

Gene: MET (MET proto-oncogene, receptor tyrosine kinase; plus strand). Cytogenetic location: 7q31.2.
Variant type: single nucleotide variant.
Coding change: c.754G>A on transcript NM_000245.4 (MANE Select); coding-DNA position 754, G replaced by A.
Protein change: p.Ala252Thr; replaces alanine 252 with threonine.
Molecular consequence: missense variant. On other transcripts: intron variant (1).
Genome position (GRCh38, 1-based): chr7:116,699,838, G>A. VCF-style: chr7-116699838-G-A. GRCh37 (hg19) VCF-style: chr7-116339892-G-A.
Other names: c.754G>A, p.Ala252Thr (NM_001127500.3, NM_001324401.3); c.-91+27261G>A (NM_001324402.2); short protein forms A252T.
Identifiers: ClinVar variation 2830265 (VCV002830265.3), dbSNP rs2116596984, ClinGen allele CA368969775.